The following is an entry in ClinVar:

NM_203447.4(DOCK8):c.308T>G (p.Leu103Trp)

Genes: DOCK8 (dedicator of cytokinesis 8; plus strand), LOC126860552 (BRD4-independent group 4 enhancer GRCh37_chr9:285795-286994; plus strand). Cytogenetic location: 9p24.3.
Variant type: single nucleotide variant.
Coding change: c.308T>G on transcript NM_203447.4 (MANE Select); coding-DNA position 308, T replaced by G.
Protein change: p.Leu103Trp; replaces leucine 103 with tryptophan.
Molecular consequence: missense variant.
Genome position (GRCh38, 1-based): chr9:286,612, T>G. VCF-style: chr9-286612-T-G. GRCh37 (hg19) VCF-style: chr9-286612-T-G.
Other names: c.104T>G, p.Leu35Trp (NM_001190458.2, NM_001193536.2); short protein forms L103W, L35W.
Identifiers: ClinVar variation 3661119 (VCV003661119.2).
Genomic context (GRCh38, chr9:286,612, plus strand): 5'-TCGGGGACTTCACTGATGACGACTTGGACGTGGTGTTCACGCCAAAGGAATGTAGGACTT[T>G]GCAGCCCTCTTTGCCGGAGGAAGGGTAAATAGTTTTCTAAAATGTAGATGTGATTGGGAT-3'
Protein context (NP_982272.2, residues 93-113): VVFTPKECRT[Leu103Trp]QPSLPEEGVE

ClinVar aggregate classification (germline): Uncertain significance (1 of 4 stars; one submission).

Conditions:
Combined immunodeficiency due to DOCK8 deficiency (HIES2). Also called: HIES autosomal recessive; HYPER-IgE SYNDROME 2, AUTOSOMAL RECESSIVE, WITH RECURRENT INFECTIONS; DOCK8 Deficiency; Hyper-IgE recurrent infection syndrome, autosomal recessive; HYPER-IgE RECURRENT INFECTION SYNDROME 2, AUTOSOMAL RECESSIVE. Identifiers: Orphanet 217390, MedGen C4722305, MONDO:0009478, OMIM 243700.

gnomAD v4.1: 8 of 1,613,866 alleles (0.0005%); highest among the groups gnomAD compares: East Asian, 0.011%; no homozygotes.

Submission:

Labcorp Genetics (formerly Invitae), Labcorp
Classification: Uncertain significance for Combined immunodeficiency due to DOCK8 deficiency. Last evaluated: 2025-03-17. Review status: criteria provided, single submitter. Criteria: Invitae Variant Classification Sherloc (09022015). Collection method: clinical testing. Allele origin: germline.
Comment: This sequence change replaces leucine, which is neutral and non-polar, with tryptophan, which is neutral and slightly polar, at codon 103 of the DOCK8 protein (p.Leu103Trp). This variant is present in population databases (no rsID available, gnomAD 0.006%). This variant has not been reported in the literature in individuals affected with DOCK8-related conditions. Invitae Evidence Modeling of protein sequence and biophysical properties (such as structural, functional, and spatial information, amino acid conservation, physicochemical variation, residue mobility, and thermodynamic stability) has been performed for this missense variant. However, the output from this modeling did not meet the statistical confidence thresholds required to predict the impact of this variant on DOCK8 protein function. In summary, the available evidence is currently insufficient to determine the role of this variant in disease. Therefore, it has been classified as a Variant of Uncertain Significance.